The following is an entry in ClinVar:

NM_000260.4(MYO7A):c.3630G>A (p.Lys1210=)

Gene: MYO7A (myosin VIIA; plus strand). Cytogenetic location: 11q13.5.
Variant type: single nucleotide variant.
Coding change: c.3630G>A on transcript NM_000260.4 (MANE Select); coding-DNA position 3630, G replaced by A.
Protein change: p.Lys1210=; no amino-acid change (lysine 1210 retained).
Molecular consequence: synonymous variant.
Genome position (GRCh38, 1-based): chr11:77,189,470, G>A. VCF-style: chr11-77189470-G-A. GRCh37 (hg19) VCF-style: chr11-76900515-G-A.
Other names: c.3630G>A, p.Lys1210= (NM_001127180.2); c.3597G>A, p.Lys1199= (NM_001369365.1).
Identifiers: ClinVar variation 1479312 (VCV001479312.7), dbSNP rs2135550541, ClinGen allele CA475795986.

ClinVar aggregate classification (germline): Uncertain significance. Review status: criteria provided, multiple submitters, no conflicts (2 of 4 stars). 2 submissions from 2 submitters: Uncertain significance (2). Last evaluated 2022-06-29.

Submissions (2):

GeneDx
Classification: Uncertain significance. Last evaluated: 2022-06-29. Review status: criteria provided, single submitter. Criteria: GeneDx Variant Classification Process June 2021. Collection method: clinical testing. Allele origin: germline. Affected: yes.
Comment: Not observed at significant frequency in large population cohorts (gnomAD); In silico analysis supports a deleterious effect on splicing; Has not been previously published as pathogenic or benign to our knowledge

Labcorp Genetics (formerly Invitae), Labcorp
Classification: Uncertain significance. Last evaluated: 2021-08-04. Review status: criteria provided, single submitter. Criteria: Invitae Variant Classification Sherloc (09022015). Collection method: clinical testing. Allele origin: germline.
Comment: In summary, the available evidence is currently insufficient to determine the role of this variant in disease. Therefore, it has been classified as a Variant of Uncertain Significance. Variants that disrupt the consensus splice site are a relatively common cause of aberrant splicing (PMID: 17576681, 9536098). Algorithms developed to predict the effect of sequence changes on RNA splicing suggest that this variant may disrupt the consensus splice site. This variant has been observed in individual(s) with Usher syndrome (Invitae). This variant is not present in population databases (ExAC no frequency). This sequence change affects codon 1210 of the MYO7A mRNA. It is a 'silent' change, meaning that it does not change the encoded amino acid sequence of the MYO7A protein. This variant also falls at the last nucleotide of exon 28, which is part of the consensus splice site for this exon.

Literature cited by the submitters: PubMed 17576681 (cited by Labcorp Genetics (formerly Invitae), Labcorp); PubMed 9536098 (cited by Labcorp Genetics (formerly Invitae), Labcorp).